The following is an entry in ClinVar:

ClinVar aggregate classification (germline): Uncertain significance (1 of 4 stars; one submission).

Allele frequency attached by ClinVar (database versions not stated): gnomAD exomes below 0.00001.
gnomAD v4.1: 1 of 1,614,018 alleles (0.000062%); highest among the groups gnomAD compares: Admixed American, 0.0017%; no homozygotes.

Submission:

Labcorp Genetics (formerly Invitae), Labcorp
Classification: Uncertain significance. Last evaluated: 2025-02-12. Review status: criteria provided, single submitter. Criteria: Invitae Variant Classification Sherloc (09022015). Collection method: clinical testing. Allele origin: germline.
Comment: This sequence change replaces valine, which is neutral and non-polar, with alanine, which is neutral and non-polar, at codon 755 of the CLCN6 protein (p.Val755Ala). This variant is present in population databases (no rsID available, gnomAD 0.003%). This variant has not been reported in the literature in individuals affected with CLCN6-related conditions. ClinVar contains an entry for this variant (Variation ID: 3023939). An algorithm developed to predict the effect of missense changes on protein structure and function (PolyPhen-2) suggests that this variant is likely to be tolerated. In summary, the available evidence is currently insufficient to determine the role of this variant in disease. Therefore, it has been classified as a Variant of Uncertain Significance.

NM_001286.5(CLCN6):c.2264T>C (p.Val755Ala)

Gene: CLCN6 (Cl-/H+ antiporter 6; plus strand). Cytogenetic location: 1p36.22.
Variant type: single nucleotide variant.
Coding change: c.2264T>C on transcript NM_001286.5 (MANE Select); coding-DNA position 2264, T replaced by C.
Protein change: p.Val755Ala; replaces valine 755 with alanine.
Molecular consequence: missense variant. On other transcripts: non-coding transcript variant (1).
Genome position (GRCh38, 1-based): chr1:11,837,468, T>C. VCF-style: chr1-11837468-T-C. GRCh37 (hg19) VCF-style: chr1-11897525-T-C.
Other names: c.2198T>C, p.Val733Ala (NM_001256959.2); short protein forms V733A, V755A.
Identifiers: ClinVar variation 3023939 (VCV003023939.3), dbSNP rs1376587386, ClinGen allele CA338442225.